The following is an entry in ClinVar:

ClinVar aggregate classification (germline): Pathogenic (1 of 4 stars; one submission).

Conditions:
Neurofibromatosis, type 1 (NF1). Also called: Peripheral type neurofibromatosis; VON RECKLINGHAUSEN DISEASE; Neurofibromatosis, type I; NEUROFIBROMATOSIS, TYPE I, SOMATIC. Identifiers: Orphanet 636, MedGen C0027831, MONDO:0018975, OMIM 162200. Disease mechanism: loss of function.

Submission:

Labcorp Genetics (formerly Invitae), Labcorp
Classification: Pathogenic for Neurofibromatosis, type 1. Last evaluated: 2023-11-14. Review status: criteria provided, single submitter. Criteria: Invitae Variant Classification Sherloc (09022015). Collection method: clinical testing. Allele origin: germline.
Comment: This sequence change creates a premature translational stop signal (p.Glu1747Glyfs*6) in the NF1 gene. It is expected to result in an absent or disrupted protein product. Loss-of-function variants in NF1 are known to be pathogenic (PMID: 10712197, 23913538). This variant is not present in population databases (gnomAD no frequency). This variant has not been reported in the literature in individuals affected with NF1-related conditions. For these reasons, this variant has been classified as Pathogenic.

Literature cited by the submitters: PubMed 10712197; PubMed 23913538.

NM_001042492.3(NF1):c.5303del (p.Glu1768fs)

Gene: NF1 (neurofibromin 1; plus strand). Cytogenetic location: 17q11.2.
Variant type: Deletion.
Coding change: c.5303del on transcript NM_001042492.3 (MANE Select); coding-DNA position 5303, one base deleted (A; older notation c.5303delA).
Protein change: p.Glu1768fs; shifts the reading frame from glutamic acid 1768.
Molecular consequence: frameshift variant.
Genome position (GRCh38, 1-based): chr17:31,327,533, A deleted. VCF-style (leftmost placement, unchanged base first): chr17-31327532-GA-G. GRCh37 (hg19) VCF-style: chr17-29654550-GA-G.
Other names: c.5240delA, p.Glu1747Glyfs (NM_000267.4); short protein forms E1768fs, E1747fs.
Identifiers: ClinVar variation 2695957 (VCV002695957.3), dbSNP rs2508705486, ClinGen allele CA2697559608.